The following is an entry in ClinVar:

ClinVar aggregate classification (germline): Pathogenic (1 of 4 stars; one submission).

Conditions:
Familial cancer of breast. Also called: Hereditary breast cancer; BREAST CANCER, FAMILIAL; hereditary breast carcinoma. Identifiers: Orphanet 227535, MedGen C0346153, MONDO:0016419, OMIM 114480. Disease mechanism: loss of function.

Submission:

Myriad Genetics, Inc.
Classification: Pathogenic for Familial cancer of breast. Last evaluated: 2023-01-10. Review status: criteria provided, single submitter. Criteria: Myriad Autosomal Dominant, Autosomal Recessive and X-Linked Classification Criteria (2023). Collection method: clinical testing. Allele origin: unknown.
Comment: This variant is considered pathogenic. This variant creates a frameshift predicted to result in premature protein truncation.

NM_000051.4(ATM):c.8274del (p.Leu2760fs)

Genes: ATM (ATM serine/threonine kinase; plus strand), C11orf65 (chromosome 11 open reading frame 65; minus strand). Cytogenetic location: 11q22.3.
Variant type: Deletion.
Coding change: c.8274del on transcript NM_000051.4 (MANE Select); coding-DNA position 8274, one base deleted (T; older notation c.8274delT).
Protein change: p.Leu2760fs; shifts the reading frame from leucine 2760.
Molecular consequence: frameshift variant. On other transcripts: intron variant (2).
Genome position (GRCh38, 1-based): chr11:108,343,227, T deleted; the last of 2 consecutive T bases (chr11:108,343,226-108,343,227); deleting either gives the same sequence. VCF-style (leftmost placement, unchanged base first): chr11-108343225-GT-G. GRCh37 (hg19) VCF-style: chr11-108213952-GT-G.
Other names: c.8274del, p.Leu2760fs (NM_001351834.2); c.641-34155del (NM_001330368.2); c.695-7934del (NM_001351110.2); short protein forms L2760fs.
Identifiers: ClinVar variation 2431278 (VCV002431278.1), dbSNP rs2547414735, ClinGen allele CA2580083156.